The following is an entry in ClinVar:

NM_001374736.1(DST):c.4929+3627_4929+3630del

Gene: DST (dystonin; minus strand). Cytogenetic location: 6p12.1.
Variant type: Deletion.
Coding change: c.4929+3627_4929+3630del on transcript NM_001374736.1 (MANE Select); bases 3627 to 3630 of the intron after coding-DNA position 4929, 4 bases deleted (TTTT; older notation c.4929+3627_4929+3630delTTTT).
Molecular consequence: intron variant.
Genome position (GRCh38, 1-based): chr6:56,620,900-56,620,903, AAAA deleted on the plus strand (TTTT on the coding strand, the reverse complement: DST is on the minus strand); deleting any 4 consecutive bases within chr6:56,620,900-56,620,905 gives the same sequence; the c. name uses the placement nearest the transcript's 3' end. VCF-style (leftmost placement, unchanged base first): chr6-56620899-CAAAA-C. GRCh37 (hg19) VCF-style: chr6-56485697-CAAAA-C.
Other names: c.4830+3627_4830+3630del (NM_001144769.5); c.4929+3627_4929+3630del (NM_001374722.1); c.4956+3627_4956+3630del (NM_001374734.1); c.4416+3627_4416+3630del (NM_001144770.2); c.4296+3627_4296+3630del (NM_001374730.1, NM_001386100.1, NM_183380.4 and 1 more transcripts); c.3318+3627_3318+3630del (NM_015548.5); c.3319-188_3319-185del (NM_001723.7).
Identifiers: ClinVar variation 2446607 (VCV002446607.1), dbSNP rs373903018, ClinGen allele CA139210996.

ClinVar aggregate classification (germline): Likely benign (1 of 4 stars; one submission).

Submission:

GeneDx
Classification: Likely benign. Last evaluated: 2021-09-11. Review status: criteria provided, single submitter. Criteria: GeneDx Variant Classification Process June 2021. Collection method: clinical testing. Allele origin: germline. Affected: yes.
Comment: See Variant Classification Assertion Criteria.